The following is an entry in ClinVar:

NM_001018115.3(FANCD2):c.3385C>T (p.Gln1129Ter)

Genes: FANCD2 (FA complementation group D2; plus strand), FANCD2OS (FANCD2 opposite strand; minus strand). Cytogenetic location: 3p25.3.
Variant type: single nucleotide variant.
Coding change: c.3385C>T on transcript NM_001018115.3 (MANE Select); coding-DNA position 3385, C replaced by T.
Protein change: p.Gln1129Ter; replaces glutamine 1129 with a stop codon.
Molecular consequence: nonsense. On other transcripts: intron variant (1).
Genome position (GRCh38, 1-based): chr3:10,087,183, C>T. VCF-style: chr3-10087183-C-T. GRCh37 (hg19) VCF-style: chr3-10128867-C-T.
Other names: c.3385C>T, p.Gln1129Ter (NM_001319984.2, NM_001374254.1, NM_033084.6); c.3274C>T, p.Gln1092Ter (NM_001374253.1); c.*44-5652G>A (NM_173472.2); short protein forms Q1092*, Q1129*.
Identifiers: ClinVar variation 1338373 (VCV001338373.9), dbSNP rs2125072527, ClinGen allele CA351752095.

ClinVar aggregate classification (germline): Pathogenic. Review status: criteria provided, multiple submitters, no conflicts (2 of 4 stars). 2 submissions from 2 submitters: Pathogenic (2). Last evaluated 2023-11-24.

Conditions:
Fanconi anemia (FA). Also called: Fanconi's anemia. Identifiers: Orphanet 84, MedGen C0015625, MeSH D005199, MONDO:0019391.

Allele frequency attached by ClinVar (database versions not stated): gnomAD exomes below 0.00001.
gnomAD v4.1: 2 of 1,613,872 alleles (0.00012%); highest among the groups gnomAD compares: Non-Finnish European, 0.00017%; no homozygotes.

Submissions (2):

Labcorp Genetics (formerly Invitae), Labcorp
Classification: Pathogenic for Fanconi anemia. Last evaluated: 2023-11-24. Review status: criteria provided, single submitter. Criteria: Invitae Variant Classification Sherloc (09022015). Collection method: clinical testing. Allele origin: germline.
Comment: This sequence change creates a premature translational stop signal (p.Gln1129*) in the FANCD2 gene. It is expected to result in an absent or disrupted protein product. Loss-of-function variants in FANCD2 are known to be pathogenic (PMID: 17436244). This variant is not present in population databases (gnomAD no frequency). This variant has not been reported in the literature in individuals affected with FANCD2-related conditions. ClinVar contains an entry for this variant (Variation ID: 1338373). For these reasons, this variant has been classified as Pathogenic.

Genetic Services Laboratory, University of Chicago
Classification: Pathogenic. Last evaluated: 2018-03-12. Review status: criteria provided, single submitter. Criteria: ACMG Guidelines, 2015. Collection method: clinical testing. Allele origin: germline. Affected: yes.

Literature cited by the submitters: PubMed 17436244 (cited by Labcorp Genetics (formerly Invitae), Labcorp).